The following is an entry in ClinVar:

ClinVar aggregate classification (germline): Benign/Likely benign. Review status: criteria provided, multiple submitters, no conflicts (2 of 4 stars). 8 submissions from 8 submitters: Benign (4); Likely benign (4). Last evaluated 2026-01-26.

Conditions:
Hereditary cancer-predisposing syndrome. Also called: Neoplastic Syndromes, Hereditary; Hereditary neoplastic syndrome; Tumor predisposition; Hereditary Cancer Syndrome. Identifiers: Orphanet 140162, MedGen C0027672, MeSH D009386, MONDO:0015356.
Tuberous sclerosis syndrome (TSC). Also called: Tuberous Sclerosis Complex; Tuberous sclerosis. Identifiers: Orphanet 805, MedGen C0041341, MONDO:0001734.
Tuberous sclerosis 1 (TSC1). Identifiers: Orphanet 805, MedGen C1854465, MONDO:0008612, OMIM 191100.

Allele frequency attached by ClinVar (database versions not stated): gnomAD exomes below 0.00001 and 0.00003; ExAC 0.00002; gnomAD 0.00002 and 0.00003; TOPMed 0.00003.
gnomAD v4.1: 11 of 1,613,716 alleles (0.00068%); highest among the groups gnomAD compares: East Asian, 0.02%; no homozygotes.

Submissions (8):

Labcorp Genetics (formerly Invitae), Labcorp
Classification: Benign for Tuberous sclerosis 1. Last evaluated: 2026-01-26. Review status: criteria provided, single submitter. Criteria: Invitae Variant Classification Sherloc (09022015). Collection method: clinical testing. Allele origin: germline.

Myriad Genetics, Inc.
Classification: Likely benign for Tuberous sclerosis 1. Last evaluated: 2024-08-07. Review status: criteria provided, single submitter. Criteria: Myriad Autosomal Dominant, Autosomal Recessive and X-Linked Classification Criteria (2023). Collection method: clinical testing. Allele origin: unknown.
Comment: This variant is considered likely benign. This variant has been observed at a population frequency that is significantly greater than expected given the associated disease prevalence and penetrance.

All of Us Research Program, National Institutes of Health
Classification: Likely benign for Tuberous sclerosis syndrome. Last evaluated: 2023-03-23. Review status: criteria provided, single submitter. Criteria: ACMG Guidelines, 2015. Collection method: clinical testing. Allele origin: germline. Inheritance: Autosomal dominant inheritance. Observed: 1 variant allele, 1 heterozygote.
Comment: This study involves interpretation of variants in research participants for the purpose of population health screening. Participant phenotype was not available at the time of variant classification. Additional details can be found in publication PMID: 35346344, PMCID: PMC8962531

Color Diagnostics, LLC DBA Color Health
Classification: Likely benign for Tuberous sclerosis syndrome. Last evaluated: 2022-08-31. Review status: criteria provided, single submitter. Criteria: ACMG Guidelines, 2015. Collection method: clinical testing. Allele origin: germline.

Sema4
Classification: Benign for Hereditary cancer-predisposing syndrome. Last evaluated: 2022-03-16. Review status: criteria provided, single submitter. Criteria: Sema4 Curation Guidelines. Collection method: curation. Allele origin: germline.

Genome-Nilou Lab
Classification: Benign for Tuberous sclerosis 1. Last evaluated: 2021-11-07. Review status: criteria provided, single submitter. Criteria: ACMG Guidelines, 2015. Collection method: clinical testing. Allele origin: germline. Affected: no.

Ambry Genetics
Classification: Likely benign for Hereditary cancer-predisposing syndrome. Last evaluated: 2021-09-07. Review status: criteria provided, single submitter. Criteria: Ambry Variant Classification Scheme 2023. Collection method: clinical testing. Allele origin: germline.

GeneDx
Classification: Benign. Last evaluated: 2020-10-01. Review status: criteria provided, single submitter. Criteria: GeneDx Variant Classification Process June 2021. Collection method: clinical testing. Allele origin: germline. Affected: yes.
Comment: This variant is associated with the following publications: (PMID: 29185092, 28087349, 30111351, 28873162)

Literature cited by the submitters: PubMed 28087349 (cited by Ambry Genetics).

NM_000368.5(TSC1):c.1273A>G (p.Met425Val)

Gene: TSC1 (TSC complex subunit 1; minus strand). Cytogenetic location: 9q34.13.
Variant type: single nucleotide variant.
Coding change: c.1273A>G on transcript NM_000368.5 (MANE Select); coding-DNA position 1273, A replaced by G.
Protein change: p.Met425Val; replaces methionine 425 with valine.
Molecular consequence: missense variant.
Genome position (GRCh38, 1-based): chr9:132,907,361, T>C on the plus strand (A>G on the coding strand, the complement: TSC1 is on the minus strand). VCF-style: chr9-132907361-T-C. GRCh37 (hg19) VCF-style: chr9-135782748-T-C.
Other names: c.1270A>G, p.Met424Val (NM_001162426.2); c.1120A>G, p.Met374Val (NM_001162427.2); c.910A>G, p.Met304Val (NM_001362177.2); short protein forms M425V, M304V, M374V, M424V.
Identifiers: ClinVar variation 534492 (VCV000534492.23), dbSNP rs753199284, ClinGen allele CA027928.